The following is an entry in ClinVar:

NM_002691.4(POLD1):c.3134A>C (p.Asn1045Thr)

Gene: POLD1 (DNA polymerase delta 1, catalytic subunit; plus strand). Cytogenetic location: 19q13.33.
Variant type: single nucleotide variant.
Coding change: c.3134A>C on transcript NM_002691.4 (MANE Select); coding-DNA position 3134, A replaced by C.
Protein change: p.Asn1045Thr; replaces asparagine 1045 with threonine.
Molecular consequence: missense variant. On other transcripts: non-coding transcript variant (1).
Genome position (GRCh38, 1-based): chr19:50,417,185, A>C. VCF-style: chr19-50417185-A-C. GRCh37 (hg19) VCF-style: chr19-50920442-A-C.
Other names: c.3134A>C, p.Asn1045Thr (NM_001256849.1); c.3212A>C, p.Asn1071Thr (NM_001308632.1); short protein forms N1045T, N1071T.
Identifiers: ClinVar variation 2044479 (VCV002044479.4), dbSNP rs2122506914, ClinGen allele CA406987281.

ClinVar aggregate classification (germline): Uncertain significance (1 of 4 stars; one submission).

Conditions:
POLD1-related polyposis and colorectal cancer syndrome (CRCS10). Also called: Colorectal cancer 10; COLORECTAL CANCER, SUSCEPTIBILITY TO, ON CHROMOSOME 19q; Colorectal cancer, susceptibility to, 10. Identifiers: Orphanet 220460, MedGen C2675481, MONDO:0012953, OMIM 612591.

Submission:

Labcorp Genetics (formerly Invitae), Labcorp
Classification: Uncertain significance for POLD1-related polyposis and colorectal cancer syndrome. Last evaluated: 2021-12-16. Review status: criteria provided, single submitter. Criteria: Invitae Variant Classification Sherloc (09022015). Collection method: clinical testing. Allele origin: germline.
Comment: This sequence change replaces asparagine, which is neutral and polar, with threonine, which is neutral and polar, at codon 1045 of the POLD1 protein (p.Asn1045Thr). This variant is not present in population databases (gnomAD no frequency). This variant has not been reported in the literature in individuals affected with POLD1-related conditions. Algorithms developed to predict the effect of missense changes on protein structure and function (SIFT, PolyPhen-2, Align-GVGD) all suggest that this variant is likely to be tolerated. In summary, the available evidence is currently insufficient to determine the role of this variant in disease. Therefore, it has been classified as a Variant of Uncertain Significance.